The following is an entry in ClinVar:

NM_012448.4(STAT5B):c.2078-9C>T

Gene: STAT5B (signal transducer and activator of transcription 5B; minus strand). Cytogenetic location: 17q21.2.
Variant type: single nucleotide variant.
Coding change: c.2078-9C>T on transcript NM_012448.4 (MANE Select); 9 bases into the intron before coding-DNA position 2078, C replaced by T.
Molecular consequence: intron variant.
Genome position (GRCh38, 1-based): chr17:42,202,817, G>A on the plus strand (C>T on the coding strand, the complement: STAT5B is on the minus strand). VCF-style: chr17-42202817-G-A. GRCh37 (hg19) VCF-style: chr17-40354835-G-A.
Other names: c.2078-9C>T (NM_012448.3).
Identifiers: ClinVar variation 2728331 (VCV002728331.5), dbSNP rs202154803, ClinGen allele CA8573869.

ClinVar aggregate classification (germline): Benign. Review status: criteria provided, single submitter (1 of 4 stars). 2 submissions from 2 submitters: Benign (1). 1 of the submissions does not count toward it. Last evaluated 2025-11-27.

Conditions:
STAT5B-related disorder. Also called: STAT5B-related condition.
Growth hormone insensitivity with immune dysregulation 1, autosomal recessive. Also called: GROWTH HORMONE INSENSITIVITY DUE TO POSTRECEPTOR DEFECT; LARON SYNDROME DUE TO POSTRECEPTOR DEFECT; GROWTH HORMONE INSENSITIVITY SYNDROME WITH IMMUNE DYSREGULATION 1, AUTOSOMAL RECESSIVE; Laron syndrome with immunodeficiency. Identifiers: Orphanet 220465, MedGen C5435698, MONDO:0100211, OMIM 245590.

Allele frequency attached by ClinVar (database versions not stated): gnomAD 0.00005; TOPMed 0.00006; 1000 Genomes Project 30x 0.00047.
gnomAD v4.1: 49 of 1,614,194 alleles (0.003%); highest among the groups gnomAD compares: East Asian, 0.1%; no homozygotes.

Submissions (2):

Labcorp Genetics (formerly Invitae), Labcorp
Classification: Benign for Growth hormone insensitivity with immune dysregulation 1, autosomal recessive. Last evaluated: 2025-11-27. Review status: criteria provided, single submitter. Criteria: Invitae Variant Classification Sherloc (09022015). Collection method: clinical testing. Allele origin: germline.

PreventionGenetics, part of Exact Sciences
Classification: Likely benign for STAT5B-related condition. Last evaluated: 2019-04-01. Review status: no assertion criteria provided. Collection method: clinical testing. Allele origin: germline. Not counted in ClinVar's aggregate classification.
Comment: This variant is classified as likely benign based on ACMG/AMP sequence variant interpretation guidelines (Richards et al. 2015 PMID: 25741868, with internal and published modifications).